The following is an entry in ClinVar:

ClinVar aggregate classification (germline): Pathogenic/Likely pathogenic. Review status: criteria provided, multiple submitters, no conflicts (2 of 4 stars). 2 submissions from 2 submitters: Pathogenic (1); Likely pathogenic (1). Last evaluated 2022-04-15.

Conditions:
Primary ciliary dyskinesia 3. Identifiers: Orphanet 244, MedGen C1837618, MONDO:0012085, OMIM 608644.
Primary ciliary dyskinesia. Also called: Ciliary dyskinesia. Identifiers: Orphanet 244, MedGen C0008780, MONDO:0016575, HP:0012265.

Submissions (2):

Fulgent Genetics
Classification: Likely pathogenic for Primary ciliary dyskinesia 3. Last evaluated: 2022-04-15. Review status: criteria provided, single submitter. Criteria: ACMG Guidelines, 2015. Collection method: clinical testing. Allele origin: unknown.

Labcorp Genetics (formerly Invitae), Labcorp
Classification: Pathogenic for Primary ciliary dyskinesia. Last evaluated: 2021-10-08. Review status: criteria provided, single submitter. Criteria: Invitae Variant Classification Sherloc (09022015). Collection method: clinical testing. Allele origin: germline.
Comment: This variant has not been reported in the literature in individuals affected with DNAH5-related conditions. For these reasons, this variant has been classified as Pathogenic. This variant is not present in population databases (ExAC no frequency). This sequence change creates a premature translational stop signal (p.Cys3325*) in the DNAH5 gene. It is expected to result in an absent or disrupted protein product. Loss-of-function variants in DNAH5 are known to be pathogenic (PMID: 11788826, 16627867).

Literature cited by the submitters: PubMed 11788826 (cited by Labcorp Genetics (formerly Invitae), Labcorp); PubMed 16627867 (cited by Labcorp Genetics (formerly Invitae), Labcorp).

NM_001369.3(DNAH5):c.9975C>A (p.Cys3325Ter)

Gene: DNAH5 (dynein axonemal heavy chain 5; minus strand). Cytogenetic location: 5p15.2.
Variant type: single nucleotide variant.
Coding change: c.9975C>A on transcript NM_001369.3 (MANE Select); coding-DNA position 9975, C replaced by A.
Protein change: p.Cys3325Ter; replaces cysteine 3325 with a stop codon.
Molecular consequence: nonsense.
Genome position (GRCh38, 1-based): chr5:13,766,102, G>T on the plus strand (C>A on the coding strand, the complement: DNAH5 is on the minus strand). VCF-style: chr5-13766102-G-T. GRCh37 (hg19) VCF-style: chr5-13766211-G-T.
Other names: short protein forms C3325*.
Identifiers: ClinVar variation 1454439 (VCV001454439.7), dbSNP rs771715883, ClinGen allele CA359200133.
Genomic context (GRCh38, chr5:13,766,102, plus strand): 5'-ACAGCTTTTTTCCAGGTCAATTTTCACAGCACTGACTTTCCTTTGAAACAGCAGCAGTAC[G>T]CAATCCATGATCCGCATGATGAGGTGAGGGGGGCGGCCCAACGTGCGAACAGTGGCGATG-3'